The following is an entry in ClinVar:

NM_014244.5(ADAMTS2):c.85_88delinsTCTCTTATA (p.Pro29fs)

Gene: ADAMTS2 (ADAM metallopeptidase with thrombospondin type 1 motif 2; minus strand). Cytogenetic location: 5q35.3.
Variant type: Indel.
Coding change: c.85_88delinsTCTCTTATA on transcript NM_014244.5 (MANE Select); coding-DNA positions 85 to 88, CCGC replaced by TCTCTTATA.
Protein change: p.Pro29fs; shifts the reading frame from proline 29.
Molecular consequence: frameshift variant.
Genome position (GRCh38, 1-based): chr5:179,345,241-179,345,244, GCGG replaced by TATAAGAGA on the plus strand (CCGC replaced by TCTCTTATA on the coding strand, the reverse complement: ADAMTS2 is on the minus strand). VCF-style: chr5-179345241-GCGG-TATAAGAGA. GRCh37 (hg19) VCF-style: chr5-178772242-GCGG-TATAAGAGA.
Other names: c.85_88delinsTCTCTTATA, p.Pro29fs (NM_021599.4); short protein forms P29fs.
Identifiers: ClinVar variation 5010710 (VCV005010710.1).
Genomic context (GRCh38, chr5:179,345,241, plus strand): 5'-CGCACCTACCTGGGGGGTCGGCGGCGGCGGCGAGCCTGGCGTTCGCGGGCGGCGGCGGCG[GCGG>TATAAGAGA]CAGGAGCGGCGGCGGCAGCAGCAGCAGCAGCAGCAGCAGCGCGGGGCAGAGCAGGCGGCG-3'

ClinVar aggregate classification (germline): Pathogenic (1 of 4 stars; one submission).

Conditions:
Ehlers-Danlos syndrome, dermatosparaxis type. Also called: EDS VIIC; Dermatosparaxis; Ehlers-Danlos syndrome, type VII, autosomal recessive. Identifiers: Orphanet 1901, MedGen C2700425, MONDO:0009161, OMIM 225410.

Submission:

Myriad Genetics, Inc.
Classification: Pathogenic for Ehlers-Danlos syndrome, dermatosparaxis type. Last evaluated: 2024-05-14. Review status: criteria provided, single submitter. Criteria: Myriad Autosomal Dominant, Autosomal Recessive and X-Linked Classification Criteria (2023). Collection method: clinical testing. Allele origin: unknown.
Comment: NM_014244.4(ADAMTS2):c.85_88del4ins9(P29Sfs*138) is expected to be pathogenic in the context of Ehlers-Danlos syndrome, ADAMTS2-related. This variant is predicted to lead to an abnormal or absent protein product due to the creation of a premature termination codon in ADAMTS2, a gene where loss-of-function variants are known to be pathogenic. Please note: this variant was assessed in the context of healthy population screening.